The following is an entry in ClinVar:

ClinVar aggregate classification (germline): Uncertain significance (1 of 4 stars; one submission).

Conditions:
Inborn genetic diseases. Identifiers: MedGen C0950123, MeSH D030342.

Submission:

Ambry Genetics
Classification: Uncertain significance for Inborn genetic diseases. Last evaluated: 2025-04-28. Review status: criteria provided, single submitter. Criteria: Ambry Variant Classification Scheme 2023. Collection method: clinical testing. Allele origin: germline.
Comment: The p.Q1047P variant (also known as c.3140A>C), located in coding exon 14 of the MECOM gene, results from an A to C substitution at nucleotide position 3140. The glutamine at codon 1047 is replaced by proline, an amino acid with similar properties. This amino acid position is conserved. In addition, this alteration is predicted to be tolerated by in silico analysis. Based on the available evidence, the clinical significance of this variant remains unclear.

NM_004991.4(MECOM):c.3140A>C (p.Gln1047Pro)

Gene: MECOM (MDS1 and EVI1 complex locus; minus strand). Cytogenetic location: 3q26.2.
Variant type: single nucleotide variant.
Coding change: c.3140A>C on transcript NM_004991.4 (MANE Select); coding-DNA position 3140, A replaced by C.
Protein change: p.Gln1047Pro; replaces glutamine 1047 with proline.
Molecular consequence: missense variant.
Genome position (GRCh38, 1-based): chr3:169,092,982, T>G on the plus strand (A>C on the coding strand, the complement: MECOM is on the minus strand). VCF-style: chr3-169092982-T-G. GRCh37 (hg19) VCF-style: chr3-168810770-T-G.
Other names: c.2771A>C, p.Gln924Pro (NM_001105077.4); c.2576A>C, p.Gln859Pro (NM_001105078.4, NM_001205194.2, NM_001366469.2 and 1 more transcripts); c.2552A>C, p.Gln851Pro (NM_001163999.2, NM_001366470.2); c.2549A>C, p.Gln850Pro (NM_001164000.2, NM_001366471.2, NM_001366472.2); c.3113A>C, p.Gln1038Pro (NM_001366466.2); c.2579A>C, p.Gln860Pro (NM_001366467.2, NM_001366468.2); c.2141A>C, p.Gln714Pro (NM_001366473.2); c.1577A>C, p.Gln526Pro (NM_001366474.2); short protein forms Q526P, Q714P, Q859P, Q860P, Q1047P, Q851P, Q1038P, Q850P.
Identifiers: ClinVar variation 4053221 (VCV004053221.1).